The following is an entry in ClinVar:

ClinVar aggregate classification (germline): Pathogenic. Review status: criteria provided, single submitter (1 of 4 stars). 2 submissions from 2 submitters: Pathogenic (1). 1 of the submissions does not count toward it. Last evaluated 2023-05-03.

Conditions:
CLCN2-related disorder. Also called: CLCN2-related disorders; CLCN2-related condition.
Leukoencephalopathy with mild cerebellar ataxia and white matter edema (LKPAT). Also called: CLCN2-Related Leukoencephalopathy; Leukoencephalopathy with ataxia; Leukoencephalopathy with white matter edema; Brain white matter edema. Identifiers: Orphanet 363540, MedGen C4554120, MONDO:0014292, OMIM 615651. Disease mechanism: loss of function.

Submissions (2):

Women's Health and Genetics/Laboratory Corporation of America, LabCorp
Classification: Pathogenic for CLCN2-Related Disorders. Last evaluated: 2023-05-03. Review status: criteria provided, single submitter. Criteria: LabCorp Variant Classification Summary - May 2015. Collection method: clinical testing. Allele origin: germline.
Comment: Variant summary: CLCN2 c.1113delinsACTGCTCAT (p.Ser375CysfsX6) results in a premature termination codon, predicted to cause a truncation of the encoded protein or absence of the protein due to nonsense mediated decay, which are commonly known mechanisms for disease. A truncating variant downstream of this position has been classified as pathogenic by our laboratory. The variant was absent in 250926 control chromosomes (gnomAD). c.1113delinsACTGCTCAT has been reported in the literature in the homozygous state in an individual presenting with paroxysmal kinesigenic dyskinesia who had MRI abnormalities indicative of hypomyelination in the cerebral white matter. These data indicate that the variant is likely associated with disease. To our knowledge, no experimental evidence demonstrating an impact on protein function has been reported. The following publication has been ascertained in the context of this evaluation (PMID: 25745790). No clinical diagnostic laboratories have submitted clinical-significance assessments for this variant to ClinVar after 2014. Based on the evidence outlined above, the variant was classified as pathogenic.

GeneReviews
No classification provided. Condition: Leukoencephalopathy with mild cerebellar ataxia and white matter edema. Review status: no classification provided. Collection method: literature only. Allele origin: germline. Affected: yes. Not counted in ClinVar's aggregate classification.

Literature cited by the submitters: PubMed 25745790 (cited by Women's Health and Genetics/Laboratory Corporation of America, LabCorp and GeneReviews); NCBI Bookshelf NBK326661 (cited by GeneReviews).

NM_004366.6(CLCN2):c.1113delinsACTGCTCAT (p.Ser375fs)

Gene: CLCN2 (chloride voltage-gated channel 2; minus strand). Cytogenetic location: 3q27.1.
Variant type: Indel.
Coding change: c.1113delinsACTGCTCAT on transcript NM_004366.6 (MANE Select); coding-DNA position 1113, C replaced by ACTGCTCAT.
Protein change: p.Ser375fs; shifts the reading frame from serine 375.
Molecular consequence: frameshift variant.
Genome position (GRCh38, 1-based): chr3:184,355,751, G replaced by ATGAGCAGT on the plus strand (C replaced by ACTGCTCAT on the coding strand, the reverse complement: CLCN2 is on the minus strand). VCF-style: chr3-184355751-G-ATGAGCAGT. GRCh37 (hg19) VCF-style: chr3-184073539-G-ATGAGCAGT.
Other names: c.1113delinsACTGCTCAT, p.Ser375fs (NM_001171087.3, NM_001171089.3); c.981delinsACTGCTCAT, p.Ser331fs (NM_001171088.3); short protein forms S331fs, S375fs.
Identifiers: ClinVar variation 217787 (VCV000217787.3), dbSNP rs863225251, ClinGen allele CA347648.